The following is an entry in ClinVar:

NM_000264.5(PTCH1):c.3792C>T (p.Phe1264=)

Gene: PTCH1 (patched 1; minus strand). Cytogenetic location: 9q22.32.
Variant type: single nucleotide variant.
Coding change: c.3792C>T on transcript NM_000264.5 (MANE Select); coding-DNA position 3792, C replaced by T.
Protein change: p.Phe1264=; no amino-acid change (phenylalanine 1264 retained).
Molecular consequence: synonymous variant. On other transcripts: non-coding transcript variant (1).
Genome position (GRCh38, 1-based): chr9:95,449,081, G>A on the plus strand (C>T on the coding strand, the complement: PTCH1 is on the minus strand). VCF-style: chr9-95449081-G-A. GRCh37 (hg19) VCF-style: chr9-98211363-G-A.
Other names: c.3594C>T, p.Phe1198= (NM_001083602.3); c.3789C>T, p.Phe1263= (NM_001083603.3); c.3339C>T, p.Phe1113= (NM_001083604.3, NM_001083605.3, NM_001083606.3 and 1 more transcripts); c.3636C>T, p.Phe1212= (NM_001354918.2).
Identifiers: ClinVar variation 700952 (VCV000700952.18), dbSNP rs144312968, ClinGen allele CA5138061.
Genomic context (GRCh38, chr9:95,449,081, plus strand): 5'-CTACCACGGTGGGAAGACCCCTCCCCCTGGTTCTGCAGAGTCACTTACAGTGGAGTGGGC[G>A]AAGACGGGGTTTTCTGTGGCTTCCACGATCACTTGGTGGGCAGGGCCTCCCGCGCCCTGC-3'
Protein context (NP_000255.2, residues 1254-1274): VIVEATENPV[Phe1264=]AHSTVVHPES

ClinVar aggregate classification (germline): Benign/Likely benign. Review status: criteria provided, multiple submitters, no conflicts (2 of 4 stars). 3 submissions from 3 submitters: Benign (1); Likely benign (1). 1 of the submissions does not count toward it. Last evaluated 2026-01-07.

Conditions:
Hereditary cancer-predisposing syndrome. Also called: Tumor predisposition; Hereditary neoplastic syndrome; Hereditary Cancer Syndrome; Neoplastic Syndromes, Hereditary. Identifiers: Orphanet 140162, MedGen C0027672, MeSH D009386, MONDO:0015356.
Gorlin syndrome. Also called: Nevoid Basal Cell Carcinoma Syndrome; Basal cell nevus syndrome. Identifiers: Orphanet 377, MedGen C0004779, MONDO:0007187.
PTCH1-related disorder. Also called: PTCH1-related disorders; PTCH1-related condition.

Allele frequency attached by ClinVar (database versions not stated): ExAC 0.00004; gnomAD exomes 0.00004; TOPMed 0.00006; gnomAD 0.00007 and 0.00008; 1000 Genomes Project 30x 0.00016; 1000 Genomes Project 0.00020; ESP Exome Variant Server 0.00031.
gnomAD v4.1: 78 of 1,614,216 alleles (0.0048%); highest among the groups gnomAD compares: African/African-American, 0.023%; no homozygotes.

Submissions (3):

Labcorp Genetics (formerly Invitae), Labcorp
Classification: Benign for Gorlin syndrome. Last evaluated: 2026-01-07. Review status: criteria provided, single submitter. Criteria: Invitae Variant Classification Sherloc (09022015). Collection method: clinical testing. Allele origin: germline.

Ambry Genetics
Classification: Likely benign for Hereditary cancer-predisposing syndrome. Last evaluated: 2024-12-21. Review status: criteria provided, single submitter. Criteria: Ambry Variant Classification Scheme 2023. Collection method: clinical testing. Allele origin: germline.

PreventionGenetics, part of Exact Sciences
Classification: Likely benign for PTCH1-related condition. Last evaluated: 2021-12-31. Review status: no assertion criteria provided. Collection method: clinical testing. Allele origin: germline. Not counted in ClinVar's aggregate classification.
Comment: This variant is classified as likely benign based on ACMG/AMP sequence variant interpretation guidelines (Richards et al. 2015 PMID: 25741868, with internal and published modifications).